The following is an entry in ClinVar:

ClinVar aggregate classification (germline): Uncertain significance (1 of 4 stars; one submission).

Submission:

Dasa
Classification: Uncertain significance. Last evaluated: 2026-04-21. Review status: criteria provided, single submitter. Criteria: DASA Assertion Criteria. Collection method: clinical testing. Allele origin: germline.
Comment: NM_001378183.1(PIEZO2):c.8544C>G (p.Phe2848Leu) is a missense variant that results in the substitution of phenylalanine with leucine. This variant is absent from population databases. Computational prediction algorithms are consistent with a deleterious effect. The currently available literature and clinical evidence are not sufficient to establish a definitive association between this variant and the reported condition. Therefore, this variant is classified as a variant of uncertain significance.

NM_001378183.1(PIEZO2):c.8544C>G (p.Phe2848Leu)

Gene: PIEZO2 (piezo type mechanosensitive ion channel component 2; minus strand). Cytogenetic location: 18p11.22.
Variant type: single nucleotide variant.
Coding change: c.8544C>G on transcript NM_001378183.1 (MANE Select); coding-DNA position 8544, C replaced by G.
Protein change: p.Phe2848Leu; replaces phenylalanine 2848 with leucine.
Molecular consequence: missense variant.
Genome position (GRCh38, 1-based): chr18:10,671,581, G>C on the plus strand (C>G on the coding strand, the complement: PIEZO2 is on the minus strand). VCF-style: chr18-10671581-G-C. GRCh37 (hg19) VCF-style: chr18-10671578-G-C.
Other names: c.8280C>G, p.Phe2760Leu (NM_001410871.1); c.8205C>G, p.Phe2735Leu (NM_022068.4); short protein forms F2735L, F2760L, F2848L.
Identifiers: ClinVar variation 4883532 (VCV004883532.2).